The following is an entry in ClinVar:

NM_000458.4(HNF1B):c.636G>C (p.Gln212His)

Genes: HNF1B (HNF1 homeobox B; minus strand), LOC126862549 (BRD4-independent group 4 enhancer GRCh37_chr17:36093401-36094600; plus strand). Cytogenetic location: 17q12.
Variant type: single nucleotide variant.
Coding change: c.636G>C on transcript NM_000458.4 (MANE Select); coding-DNA position 636, G replaced by C.
Protein change: p.Gln212His; replaces glutamine 212 with histidine.
Molecular consequence: missense variant.
Genome position (GRCh38, 1-based): chr17:37,733,730, C>G on the plus strand (G>C on the coding strand, the complement: HNF1B is on the minus strand). VCF-style: chr17-37733730-C-G. GRCh37 (hg19) VCF-style: chr17-36093723-C-G.
Other names: c.558G>C, p.Gln186His (NM_001165923.4, NM_001304286.2); c.636G>C, p.Gln212His (NM_001411100.1); short protein forms Q186H, Q212H.
Identifiers: ClinVar variation 1801845 (VCV001801845.1), dbSNP rs1388963837, ClinGen allele CA398749390.

ClinVar aggregate classification (germline): Uncertain significance (1 of 4 stars; one submission).

Conditions:
Maturity-onset diabetes of the young (MODY). Also called: Maturity onset diabetes mellitus in young. Identifiers: Orphanet 552, MedGen C0342276, MONDO:0018911, HP:0004904.

Submission:

Clinical Genomics, Uppaluri K&H Personalized Medicine Clinic
Classification: Uncertain significance for Maturity-onset diabetes of the young. Review status: criteria provided, single submitter. Criteria: K & H Uppaluri Personalized Medicine Clinic Variant Classification & Assertion Criteria_Updated V.1. Collection method: research. Allele origin: unknown. Inheritance: Autosomal dominant inheritance.
Comment: HNF1B gene mutations are associated with early onset diabetes and pancreatic atrophy. It is also associated with multiple renal manifestations including renal cysts, Tubulointerstitial disease, glomerulocystic disease, renal hypoplasia, hypomagnesemia.However no sufficient evidence is found to ascertain the role of this particular variant rs1388963837, yet.

Literature cited by the submitters: PubMed 24897035; PubMed 25536396; PubMed 27615128; PubMed 28215227; PubMed 33434175; PubMed 25741167; PubMed 26340261; PubMed 19639018.